The following is an entry in ClinVar:

NM_002124.4(HLA-DRB1):c.297G>A (p.Gln99=)

Gene: HLA-DRB1 (major histocompatibility complex, class II, DR beta 1; minus strand). Cytogenetic location: 6p21.32.
Variant type: single nucleotide variant.
Coding change: c.297G>A on transcript NM_002124.4 (MANE Select); coding-DNA position 297, G replaced by A.
Protein change: p.Gln99=; no amino-acid change (glutamine 99 retained).
Molecular consequence: synonymous variant.
Genome position (GRCh38, 1-based): chr6:32,584,182, C>T on the plus strand (G>A on the coding strand, the complement: HLA-DRB1 is on the minus strand). VCF-style: chr6-32584182-C-T. GRCh37 (hg19) VCF-style: chr6-32551959-C-T.
Identifiers: ClinVar variation 2656463 (VCV002656463.24), dbSNP rs17879599, ClinGen allele CA449830734.

ClinVar aggregate classification (germline): Likely benign (1 of 4 stars; one submission).

Submission:

CeGaT Center for Human Genetics Tuebingen
Classification: Likely benign. Last evaluated: 2025-02-01. Review status: criteria provided, single submitter. Criteria: CeGaT Center For Human Genetics Tuebingen Variant Classification Criteria Version 2. Collection method: clinical testing. Allele origin: germline. Affected: yes. Observed: 6 variant alleles.
Comment: HLA-DRB1: PM2:Supporting, BP4, BP7